The following is an entry in ClinVar:

NM_000088.4(COL1A1):c.334-4A>G

Gene: COL1A1 (collagen type I alpha 1 chain; minus strand). Cytogenetic location: 17q21.33.
Variant type: single nucleotide variant.
Coding change: c.334-4A>G on transcript NM_000088.4 (MANE Select); 4 bases into the intron before coding-DNA position 334, A replaced by G.
Molecular consequence: intron variant.
Genome position (GRCh38, 1-based): chr17:50,199,457, T>C on the plus strand (A>G on the coding strand, the complement: COL1A1 is on the minus strand). VCF-style: chr17-50199457-T-C. GRCh37 (hg19) VCF-style: chr17-48276818-T-C.
Identifiers: ClinVar variation 1084146 (VCV001084146.21), dbSNP rs200621584, ClinGen allele CA8645740.
Genomic context (GRCh38, chr17:50,199,457, plus strand): 5'-AGCCCAGAGTGCAACGCTTACCCTTGGGCCTCGGGGGCCAGTGTCTCCCTTGGGTCCCTG[T>C]GGGATTGGGGGAGAAGAAACAAGAGGCCAGGTTAGAGAAGGGAGGACTGTGAGGAGTCAC-3'

ClinVar aggregate classification (germline): Likely benign. Review status: criteria provided, multiple submitters, no conflicts (2 of 4 stars). 4 submissions from 4 submitters: Likely benign (3). 1 of the submissions does not count toward it. Last evaluated 2025-11-27.

Conditions:
Osteogenesis imperfecta type I (OI1). Also called: Lobstein disease; Lobstein's Disease; Classic Non-deforming Osteogenesis Imperfecta with Blue Sclerae; Osteogenesis imperfecta type 1; OI, TYPE I; OSTEOGENESIS IMPERFECTA TARDA. Identifiers: Orphanet 216796, Orphanet 666, MedGen C0023931, MONDO:0008146, OMIM 166200. Disease mechanism: loss of function.
COL1A1-related disorder. Also called: COL1A1-related condition; COL1A1- related disease.
Cardiovascular phenotype. Identifiers: MedGen CN230736.

Allele frequency attached by ClinVar (database versions not stated): gnomAD 0.00001 and 0.00003; gnomAD exomes 0.00002 and 0.00003; ExAC 0.00003; TOPMed 0.00003; 1000 Genomes Project 30x 0.00031; 1000 Genomes Project 0.00040.
gnomAD v4.1: 36 of 1,613,684 alleles (0.0022%); highest among the groups gnomAD compares: Admixed American, 0.01%; no homozygotes.

Submissions (4):

Labcorp Genetics (formerly Invitae), Labcorp
Classification: Likely benign for Osteogenesis imperfecta type I. Last evaluated: 2025-11-27. Review status: criteria provided, single submitter. Criteria: Invitae Variant Classification Sherloc (09022015). Collection method: clinical testing. Allele origin: germline.

CeGaT Center for Human Genetics Tuebingen
Classification: Likely benign. Last evaluated: 2025-06-01. Review status: criteria provided, single submitter. Criteria: CeGaT Center For Human Genetics Tuebingen Variant Classification Criteria Version 2. Collection method: clinical testing. Allele origin: germline. Affected: yes. Observed: 2 variant alleles.
Comment: COL1A1: BP4

Ambry Genetics
Classification: Likely benign for Cardiovascular phenotype. Last evaluated: 2022-09-14. Review status: criteria provided, single submitter. Criteria: Ambry Variant Classification Scheme 2023. Collection method: clinical testing. Allele origin: germline.

PreventionGenetics, part of Exact Sciences
Classification: Likely benign for COL1A1-related condition. Last evaluated: 2022-07-15. Review status: no assertion criteria provided. Collection method: clinical testing. Allele origin: germline. Not counted in ClinVar's aggregate classification.
Comment: This variant is classified as likely benign based on ACMG/AMP sequence variant interpretation guidelines (Richards et al. 2015 PMID: 25741868, with internal and published modifications).